The following is an entry in ClinVar:

ClinVar aggregate classification (germline): Pathogenic. Review status: criteria provided, multiple submitters, no conflicts (2 of 4 stars). 2 submissions from 2 submitters: Pathogenic (2). Last evaluated 2024-05-29.

Conditions:
Congenital microcephaly - severe encephalopathy - progressive cerebral atrophy syndrome. Also called: ASNS DEFICIENCY; Asparagine synthetase deficiency. Identifiers: Orphanet 391376, MedGen C3809971, MONDO:0014258, OMIM 615574.

Submissions (2):

Labcorp Genetics (formerly Invitae), Labcorp
Classification: Pathogenic. Last evaluated: 2024-05-29. Review status: criteria provided, single submitter. Criteria: Invitae Variant Classification Sherloc (09022015). Collection method: clinical testing. Allele origin: germline.
Comment: This sequence change creates a premature translational stop signal (p.Lys440*) in the ASNS gene. It is expected to result in an absent or disrupted protein product. Loss-of-function variants in ASNS are known to be pathogenic (PMID: 27422383, 30057589). This variant is present in population databases (no rsID available, gnomAD 0.004%). This variant has not been reported in the literature in individuals affected with ASNS-related conditions. Algorithms developed to predict the effect of sequence changes on RNA splicing suggest that this variant may disrupt the consensus splice site. For these reasons, this variant has been classified as Pathogenic.

Myriad Genetics, Inc.
Classification: Pathogenic for Congenital microcephaly - severe encephalopathy - progressive cerebral atrophy syndrome. Last evaluated: 2024-05-23. Review status: criteria provided, single submitter. Criteria: Myriad Autosomal Dominant, Autosomal Recessive and X-Linked Classification Criteria (2023). Collection method: clinical testing. Allele origin: unknown.
Comment: NM_001673.4(ASNS):c.1318A>T(K440*) is expected to be pathogenic in the context of asparagine synthetase deficiency. This variant is predicted to lead to an abnormal or absent protein product due to the creation of a premature termination codon in ASNS, a gene where loss-of-function variants are known to be pathogenic. Please note: this variant was assessed in the context of healthy population screening.

Literature cited by the submitters: PubMed 27422383 (cited by Labcorp Genetics (formerly Invitae), Labcorp); PubMed 30057589 (cited by Labcorp Genetics (formerly Invitae), Labcorp).

NM_001673.5(ASNS):c.1318A>T (p.Lys440Ter)

Genes: ASNS (asparagine synthetase (glutamine-hydrolyzing); minus strand), CZ1P-ASNS (CZ1P-ASNS readthrough; minus strand). Cytogenetic location: 7q21.3.
Variant type: single nucleotide variant.
Coding change: c.1318A>T on transcript NM_001673.5 (MANE Select); coding-DNA position 1318, A replaced by T.
Protein change: p.Lys440Ter; replaces lysine 440 with a stop codon.
Molecular consequence: nonsense. On other transcripts: non-coding transcript variant (1).
Genome position (GRCh38, 1-based): chr7:97,853,307, T>A on the plus strand (A>T on the coding strand, the complement: ASNS is on the minus strand). VCF-style: chr7-97853307-T-A. GRCh37 (hg19) VCF-style: chr7-97482619-T-A.
Other names: c.1255A>T, p.Lys419Ter (NM_001178075.2); c.1069A>T, p.Lys357Ter (NM_001178076.2, NM_001178077.1); c.1318A>T, p.Lys440Ter (NM_001352496.2, NM_133436.3, NM_183356.4); short protein forms K357*, K419*, K440*.
Identifiers: ClinVar variation 2809282 (VCV002809282.4), dbSNP rs1444075141, ClinGen allele CA368265009.
Genomic context (GRCh38, chr7:97,853,307, plus strand): 5'-AAATTACAAATATAATCTGATGGCAATGGACAGTTTTACCTTGAGTTGATTTACCTACCT[T>A]TGGAATTCTCATTTCTGGTGGCAGAGACAAGTAATAGGAAGAAAATCGATGATCTAGAAA-3'